The following is an entry in ClinVar:

NM_017755.6(NSUN2):c.2128AAG[2] (p.Lys712del)

Gene: NSUN2 (NOP2/Sun RNA methyltransferase 2; minus strand). Cytogenetic location: 5p15.31.
Variant type: Microsatellite.
Coding change: c.2128AAG[2] on transcript NM_017755.6 (MANE Select); two copies in a row of the 3-base unit AAG starting at c.2128; the reference has three copies in a row; one copy, 3 bases deleted.
Protein change: p.Lys712del; deletes lysine 712.
Molecular consequence: inframe deletion. On other transcripts: non-coding transcript variant (1).
Genome position (GRCh38, 1-based): chr5:6,600,094-6,600,096, CTT deleted on the plus strand (AAG on the coding strand, the reverse complement: NSUN2 is on the minus strand); deleting any 3 consecutive bases within chr5:6,600,094-6,600,102 gives the same sequence; the position shown is the placement nearest the transcript's 3' end. VCF-style (leftmost placement, unchanged base first): chr5-6600093-CCTT-C. GRCh37 (hg19) VCF-style: chr5-6600206-CCTT-C.
Other names: c.2023AAG[2], p.Lys677del (NM_001193455.2); short protein forms K677del, K712del.
Identifiers: ClinVar variation 1786447 (VCV001786447.5), dbSNP rs748012887, ClinGen allele CA3192170.
Genomic context (GRCh38, chr5:6,600,093, plus strand): 5'-TCACGTCATTGTCTGGCTGTCCGGTGCTGGCTGCACTCTCATTTGTGAGGATAACCCCTT[CCTT>C]CTTCTTTTCTCCCAATACCTCCAGCCCCATCATCCTGAGATAATGAAGCCGTTCATTCTT-3'

ClinVar aggregate classification (germline): Uncertain significance. Review status: criteria provided, multiple submitters, no conflicts (2 of 4 stars). 2 submissions from 2 submitters: Uncertain significance (2). Last evaluated 2023-03-02.

Conditions:
Inborn genetic diseases. Identifiers: MedGen C0950123, MeSH D030342.

Submissions (2):

Labcorp Genetics (formerly Invitae), Labcorp
Classification: Uncertain significance. Last evaluated: 2023-03-02. Review status: criteria provided, single submitter. Criteria: Invitae Variant Classification Sherloc (09022015). Collection method: clinical testing. Allele origin: germline.
Comment: This variant, c.2134_2136del, results in the deletion of 1 amino acid(s) of the NSUN2 protein (p.Lys712del), but otherwise preserves the integrity of the reading frame. This variant is present in population databases (rs748012887, gnomAD 0.009%). This variant has not been reported in the literature in individuals affected with NSUN2-related conditions. ClinVar contains an entry for this variant (Variation ID: 1786447). Experimental studies and prediction algorithms are not available or were not evaluated, and the functional significance of this variant is currently unknown. In summary, the available evidence is currently insufficient to determine the role of this variant in disease. Therefore, it has been classified as a Variant of Uncertain Significance.

Ambry Genetics
Classification: Uncertain significance for Inborn genetic diseases. Last evaluated: 2019-06-06. Review status: criteria provided, single submitter. Criteria: Ambry Variant Classification Scheme 2023. Collection method: clinical testing. Allele origin: germline.
Comment: The c.2134_2136delAAG variant (also known as p.K712del) is located in coding exon 19 of the NSUN2 gene. This variant results from an in-frame AAG deletion at nucleotide positions 2134 to 2136. This results in the in-frame deletion of a lysine at codon 712. This amino acid position is well conserved in available vertebrate species. Since supporting evidence is limited at this time, the clinical significance of this alteration remains unclear.